The following is an entry in ClinVar:

ClinVar aggregate classification (germline): Pathogenic (1 of 4 stars; one submission).

Conditions:
Jeune thoracic dystrophy. Also called: Jeune syndrome; Infantile thoracic dystrophy; Thoracic pelvic phalangeal dystrophy; Jeune's syndrome; Chondroectodermal dysplasia-like syndrome; Short-rib thoracic dysplasia. Identifiers: Orphanet 474, MedGen C0265275, MONDO:0018770.

Submission:

Labcorp Genetics (formerly Invitae), Labcorp
Classification: Pathogenic for Jeune thoracic dystrophy. Last evaluated: 2025-03-18. Review status: criteria provided, single submitter. Criteria: Invitae Variant Classification Sherloc (09022015). Collection method: clinical testing. Allele origin: germline.
Comment: This sequence change creates a premature translational stop signal (p.Tyr696Thrfs*11) in the IFT80 gene. It is expected to result in an absent or disrupted protein product. Loss-of-function variants in IFT80 are known to be pathogenic (PMID: 21227999, 23339108, 29068549). This variant is not present in population databases (gnomAD no frequency). This variant has not been reported in the literature in individuals affected with IFT80-related conditions. ClinVar contains an entry for this variant (Variation ID: 1982589). For these reasons, this variant has been classified as Pathogenic.

Literature cited by the submitters: PubMed 21227999; PubMed 23339108; PubMed 29068549.

NM_020800.3(IFT80):c.2085del (p.Tyr696fs)

Genes: TRIM59-IFT80 (TRIM59-IFT80 readthrough (NMD candidate); minus strand), IFT80 (intraflagellar transport 80; minus strand). Cytogenetic location: 3q25.33.
Variant type: Deletion.
Coding change: c.2085del on transcript NM_020800.3 (MANE Select); coding-DNA position 2085, one base deleted (C; older notation c.2085delC).
Protein change: p.Tyr696fs; shifts the reading frame from tyrosine 696.
Molecular consequence: frameshift variant. On other transcripts: non-coding transcript variant (3).
Genome position (GRCh38, 1-based): chr3:160,277,320, G deleted on the plus strand (C on the coding strand, the reverse complement: IFT80 is on the minus strand). VCF-style (leftmost placement, unchanged base first): chr3-160277319-AG-A. GRCh37 (hg19) VCF-style: chr3-159995107-AG-A.
Other names: c.1674del, p.Tyr559fs (NM_001190241.2, NM_001190242.2); short protein forms Y559fs, Y696fs.
Identifiers: ClinVar variation 1982589 (VCV001982589.4), dbSNP rs2473099407, ClinGen allele CA2580069009.